The following is an entry in ClinVar:

NM_001375405.1(CEP120):c.1854A>C (p.Ser618=)

Gene: CEP120 (centrosomal protein 120; minus strand). Cytogenetic location: 5q23.2.
Variant type: single nucleotide variant.
Coding change: c.1854A>C on transcript NM_001375405.1 (MANE Select); coding-DNA position 1854, A replaced by C.
Protein change: p.Ser618=; no amino-acid change (serine 618 retained).
Molecular consequence: synonymous variant. On other transcripts: non-coding transcript variant (1).
Genome position (GRCh38, 1-based): chr5:123,382,992, T>G on the plus strand (A>C on the coding strand, the complement: CEP120 is on the minus strand). VCF-style: chr5-123382992-T-G. GRCh37 (hg19) VCF-style: chr5-122718686-T-G.
Other names: c.1776A>C, p.Ser592= (NM_001166226.2); c.1719A>C, p.Ser573= (NM_001375406.1); c.1854A>C, p.Ser618= (NM_001375407.1, NM_153223.4); c.1281A>C, p.Ser427= (NM_001375408.1, NM_001375409.1).
Identifiers: ClinVar variation 1191795 (VCV001191795.42), dbSNP rs140836572, ClinGen allele CA3386848.

ClinVar aggregate classification (germline): Benign/Likely benign. Review status: criteria provided, multiple submitters, no conflicts (2 of 4 stars). 5 submissions from 5 submitters: Benign (1); Likely benign (3). 1 of the submissions does not count toward it. Last evaluated 2026-04-01.

Conditions:
CEP120-related disorder. Also called: CEP120-related condition; CEP120-Related Disorders.
Short-rib thoracic dysplasia 13 with or without polydactyly (SRTD13). Identifiers: Orphanet 474, MedGen C4225378, MONDO:0014577, OMIM 616300.

Allele frequency attached by ClinVar (database versions not stated): ESP Exome Variant Server 0.00046.

Submissions (5):

CeGaT Center for Human Genetics Tuebingen
Classification: Likely benign. Last evaluated: 2026-04-01. Review status: criteria provided, single submitter. Criteria: CeGaT Center For Human Genetics Tuebingen Variant Classification Criteria Version 2. Collection method: clinical testing. Allele origin: germline. Affected: yes. Observed: 12 variant alleles.
Comment: CEP120: BP4, BP7

Labcorp Genetics (formerly Invitae), Labcorp
Classification: Benign for Short-rib thoracic dysplasia 13 with or without polydactyly. Last evaluated: 2026-01-12. Review status: criteria provided, single submitter. Criteria: Invitae Variant Classification Sherloc (09022015). Collection method: clinical testing. Allele origin: germline.

Blueprint Genetics
Classification: Likely benign. Last evaluated: 2024-11-21. Review status: criteria provided, single submitter. Criteria: ACMG Guidelines, 2015. Collection method: clinical testing. Allele origin: germline.

GeneDx
Classification: Likely benign. Last evaluated: 2020-09-01. Review status: criteria provided, single submitter. Criteria: GeneDx Variant Classification Process June 2021. Collection method: clinical testing. Allele origin: germline. Affected: yes.

PreventionGenetics, part of Exact Sciences
Classification: Likely benign for CEP120-related condition. Last evaluated: 2019-09-09. Review status: no assertion criteria provided. Collection method: clinical testing. Allele origin: germline. Not counted in ClinVar's aggregate classification.
Comment: This variant is classified as likely benign based on ACMG/AMP sequence variant interpretation guidelines (Richards et al. 2015 PMID: 25741868, with internal and published modifications).